The following is an entry in ClinVar:

NM_001164508.2(NEB):c.11300A>G (p.Lys3767Arg)

Gene: NEB (nebulin; minus strand). Cytogenetic location: 2q23.3.
Variant type: single nucleotide variant.
Coding change: c.11300A>G on transcript NM_001164508.2 (MANE Select); coding-DNA position 11300, A replaced by G.
Protein change: p.Lys3767Arg; replaces lysine 3767 with arginine.
Molecular consequence: missense variant.
Genome position (GRCh38, 1-based): chr2:151,614,577, T>C on the plus strand (A>G on the coding strand, the complement: NEB is on the minus strand). VCF-style: chr2-151614577-T-C. GRCh37 (hg19) VCF-style: chr2-152471091-T-C.
Other names: c.11300A>G, p.Lys3767Arg (NM_001164507.2, NM_001271208.2); c.10571A>G, p.Lys3524Arg (NM_004543.5); c.10571A>G (NM_004543.4); short protein forms K3767R, K3524R.
Identifiers: ClinVar variation 665507 (VCV000665507.52), dbSNP rs761139484, ClinGen allele CA1908779.

ClinVar aggregate classification (germline): Uncertain significance. Review status: criteria provided, multiple submitters, no conflicts (2 of 4 stars). 6 submissions from 6 submitters: Uncertain significance (5). 1 of the submissions does not count toward it. Last evaluated 2024-03-25.

Conditions:
Nemaline myopathy 2 (NEM2). Also called: Nemaline myopathy 2, autosomal recessive. Identifiers: MedGen C1850569, MONDO:0009725, OMIM 256030.
Inborn genetic diseases. Identifiers: MedGen C0950123, MeSH D030342.

Allele frequency attached by ClinVar (database versions not stated): gnomAD 0.00001 and 0.00006; TOPMed 0.00002; gnomAD exomes 0.00008 and 0.00009; ExAC 0.00011.
gnomAD v4.1: 118 of 1,611,938 alleles (0.0073%); highest among the groups gnomAD compares: South Asian, 0.055%; no homozygotes.

Submissions (6):

Ambry Genetics
Classification: Uncertain significance for Inborn genetic diseases. Last evaluated: 2024-03-25. Review status: criteria provided, single submitter. Criteria: Ambry Variant Classification Scheme 2023. Collection method: clinical testing. Allele origin: germline.

Labcorp Genetics (formerly Invitae), Labcorp
Classification: Uncertain significance for Nemaline myopathy 2. Last evaluated: 2022-07-05. Review status: criteria provided, single submitter. Criteria: Invitae Variant Classification Sherloc (09022015). Collection method: clinical testing. Allele origin: germline.
Comment: This sequence change replaces lysine, which is basic and polar, with arginine, which is basic and polar, at codon 3767 of the NEB protein (p.Lys3767Arg). This variant is present in population databases (rs761139484, gnomAD 0.06%). This variant has not been reported in the literature in individuals affected with NEB-related conditions. ClinVar contains an entry for this variant (Variation ID: 665507). Algorithms developed to predict the effect of missense changes on protein structure and function are either unavailable or do not agree on the potential impact of this missense change (SIFT: "Deleterious"; PolyPhen-2: "Not Available"; Align-GVGD: "Class C0"). In summary, the available evidence is currently insufficient to determine the role of this variant in disease. Therefore, it has been classified as a Variant of Uncertain Significance.

Clinical Genetics Laboratory, Skane University Hospital Lund
Classification: Uncertain significance. Last evaluated: 2022-05-27. Review status: criteria provided, single submitter. Criteria: ACMG Guidelines, 2015. Collection method: clinical testing. Allele origin: germline. Affected: yes.

Revvity Omics, Revvity
Classification: Uncertain significance. Last evaluated: 2022-04-19. Review status: criteria provided, single submitter. Criteria: ACMG Guidelines, 2015. Collection method: clinical testing. Allele origin: germline.

CeGaT Center for Human Genetics Tuebingen
Classification: Uncertain significance. Last evaluated: 2016-05-01. Review status: criteria provided, single submitter. Criteria: CeGaT Center For Human Genetics Tuebingen Variant Classification Criteria Version 2. Collection method: clinical testing. Allele origin: germline. Affected: yes. Observed: 1 variant allele.

Natera, Inc.
Classification: Uncertain significance for Nemaline myopathy type 2. Last evaluated: 2020-02-21. Review status: no assertion criteria provided. Collection method: clinical testing. Allele origin: germline. Not counted in ClinVar's aggregate classification.